The following is an entry in ClinVar:

NM_002500.5(NEUROD1):c.43C>T (p.Gln15Ter)

Gene: NEUROD1 (neuronal differentiation 1; minus strand). Cytogenetic location: 2q31.3.
Variant type: single nucleotide variant.
Coding change: c.43C>T on transcript NM_002500.5 (MANE Select); coding-DNA position 43, C replaced by T.
Protein change: p.Gln15Ter; replaces glutamine 15 with a stop codon.
Molecular consequence: nonsense.
Genome position (GRCh38, 1-based): chr2:181,678,818, G>A on the plus strand (C>T on the coding strand, the complement: NEUROD1 is on the minus strand). VCF-style: chr2-181678818-G-A. GRCh37 (hg19) VCF-style: chr2-182543545-G-A.
Other names: short protein forms Q15*.
Identifiers: ClinVar variation 1001927 (VCV001001927.6), dbSNP rs1688644069, ClinGen allele CA349787874.

ClinVar aggregate classification (germline): Uncertain significance (1 of 4 stars; one submission).

Allele frequency attached by ClinVar (database versions not stated): gnomAD exomes below 0.00001.
gnomAD v4.1: 2 of 1,614,136 alleles (0.00012%); highest among the groups gnomAD compares: Non-Finnish European, 0.00017%; no homozygotes.

Submission:

Labcorp Genetics (formerly Invitae), Labcorp
Classification: Uncertain significance. Last evaluated: 2022-08-10. Review status: criteria provided, single submitter. Criteria: Invitae Variant Classification Sherloc (09022015). Collection method: clinical testing. Allele origin: germline.
Comment: In summary, the available evidence is currently insufficient to determine the role of this variant in disease. Therefore, it has been classified as a Variant of Uncertain Significance. Experimental studies and prediction algorithms are not available or were not evaluated, and the functional significance of this variant is currently unknown. ClinVar contains an entry for this variant (Variation ID: 1001927). This variant has not been reported in the literature in individuals affected with NEUROD1-related conditions. This variant is not present in population databases (gnomAD no frequency). This sequence change creates a premature translational stop signal (p.Gln15*) in the NEUROD1 gene. While this is not anticipated to result in nonsense mediated decay, it is expected to disrupt the last 342 amino acid(s) of the NEUROD1 protein.